The following is an entry in ClinVar:

ClinVar aggregate classification (germline): Pathogenic (1 of 4 stars; one submission).

Conditions:
Periodontitis, aggressive. Identifiers: MedGen C0031106, MONDO:0980757.
Papillon-Lefèvre syndrome (PALS). Also called: KERATOSIS PALMOPLANTARIS WITH PERIODONTOPATHIA; Papillon-Lefevre Disease. Identifiers: Orphanet 678, MedGen C0030360, MONDO:0009490, OMIM 245000.
Haim-Munk syndrome (HMS). Also called: COCHIN JEWISH DISORDER; KERATOSIS PALMOPLANTARIS WITH PERIODONTOPATHIA AND ONYCHOGRYPOSIS. Identifiers: Orphanet 2342, MedGen C1855627, MONDO:0009491, OMIM 245010.

Submission:

Labcorp Genetics (formerly Invitae), Labcorp
Classification: Pathogenic for Haim-Munk syndrome; Periodontitis, aggressive; Papillon-Lefèvre syndrome. Last evaluated: 2023-01-10. Review status: criteria provided, single submitter. Criteria: Invitae Variant Classification Sherloc (09022015). Collection method: clinical testing. Allele origin: germline.
Comment: For these reasons, this variant has been classified as Pathogenic. This premature translational stop signal has been observed in individual(s) with Papillon-Lefèvre syndrome (PMID: 12083812). This variant is not present in population databases (gnomAD no frequency). This sequence change creates a premature translational stop signal (p.Trp185*) in the CTSC gene. It is expected to result in an absent or disrupted protein product. Loss-of-function variants in CTSC are known to be pathogenic (PMID: 10662808, 11106356, 11886537).

Literature cited by the submitters: PubMed 12083812; PubMed 10662808; PubMed 11106356; PubMed 11886537.

NM_001814.6(CTSC):c.555G>A (p.Trp185Ter)

Gene: CTSC (cathepsin C; minus strand). Cytogenetic location: 11q14.2.
Variant type: single nucleotide variant.
Coding change: c.555G>A on transcript NM_001814.6 (MANE Select); coding-DNA position 555, G replaced by A.
Protein change: p.Trp185Ter; replaces tryptophan 185 with a stop codon.
Molecular consequence: nonsense.
Genome position (GRCh38, 1-based): chr11:88,309,249, C>T on the plus strand (G>A on the coding strand, the complement: CTSC is on the minus strand). VCF-style: chr11-88309249-C-T. GRCh37 (hg19) VCF-style: chr11-88042417-C-T.
Other names: short protein forms W185*.
Identifiers: ClinVar variation 2925490 (VCV002925490.3), dbSNP rs2496556141, ClinGen allele CA382025223.